The following is an entry in ClinVar:

NM_020754.4(ARHGAP31):c.2214G>C (p.Lys738Asn)

Gene: ARHGAP31 (Rho GTPase activating protein 31; plus strand). Cytogenetic location: 3q13.33.
Variant type: single nucleotide variant.
Coding change: c.2214G>C on transcript NM_020754.4 (MANE Select); coding-DNA position 2214, G replaced by C.
Protein change: p.Lys738Asn; replaces lysine 738 with asparagine.
Molecular consequence: missense variant.
Genome position (GRCh38, 1-based): chr3:119,414,143, G>C. VCF-style: chr3-119414143-G-C. GRCh37 (hg19) VCF-style: chr3-119132990-G-C.
Other names: short protein forms K738N.
Identifiers: ClinVar variation 2797748 (VCV002797748.3), dbSNP rs2472875243, ClinGen allele CA354049795.

ClinVar aggregate classification (germline): Uncertain significance (1 of 4 stars; one submission).

Submission:

Labcorp Genetics (formerly Invitae), Labcorp
Classification: Uncertain significance. Last evaluated: 2023-10-25. Review status: criteria provided, single submitter. Criteria: Invitae Variant Classification Sherloc (09022015). Collection method: clinical testing. Allele origin: germline.
Comment: This sequence change replaces lysine, which is basic and polar, with asparagine, which is neutral and polar, at codon 738 of the ARHGAP31 protein (p.Lys738Asn). This variant is not present in population databases (gnomAD no frequency). This variant has not been reported in the literature in individuals affected with ARHGAP31-related conditions. Algorithms developed to predict the effect of missense changes on protein structure and function output the following: SIFT: "Not Available"; PolyPhen-2: "Benign"; Align-GVGD: "Not Available". The asparagine amino acid residue is found in multiple mammalian species, which suggests that this missense change does not adversely affect protein function. In summary, the available evidence is currently insufficient to determine the role of this variant in disease. Therefore, it has been classified as a Variant of Uncertain Significance.